The following is an entry in ClinVar:

ClinVar aggregate classification (germline): Conflicting classifications of pathogenicity. Review status: criteria provided, conflicting classifications (1 of 4 stars). 4 submissions from 4 submitters: Pathogenic (1); Likely pathogenic (2); Uncertain significance (1). Last evaluated 2023-01-24.

Conditions:
Hereditary spastic paraplegia 4. Also called: Spastic paraplegia 4, autosomal dominant; Spastic Paraplegia 4; Familial spastic paraplegia autosomal dominant 2. Identifiers: Orphanet 100985, MedGen C1866855, MONDO:0008438, OMIM 182601.

Submissions (4):

Institute of Immunology and Genetics Kaiserslautern
Classification: Likely pathogenic for Hereditary spastic paraplegia 4. Last evaluated: 2023-01-24. Review status: criteria provided, single submitter. Criteria: ACMG Guidelines, 2015. Collection method: clinical testing. Allele origin: germline. Affected: yes.
Comment: ACMG Criteria: PM2_S, PP3, PP4, PP5; Variant was found in heterozygous state.

Athena Diagnostics
Classification: Uncertain significance. Last evaluated: 2020-09-14. Review status: criteria provided, single submitter. Criteria: Athena Diagnostics criteria. Collection method: clinical testing. Allele origin: unknown.

Institute of Human Genetics Munich, TUM University Hospital
Classification: Likely pathogenic for Hereditary spastic paraplegia 4. Last evaluated: 2018-08-20. Review status: criteria provided, single submitter. Criteria: Classification criteria August 2017. Collection method: clinical testing. Allele origin: germline. Inheritance: Autosomal dominant inheritance. Affected: yes. Observed: 1 heterozygote.

Paris Brain Institute, Inserm - ICM
Classification: Pathogenic for Hereditary spastic paraplegia 4. Review status: criteria provided, single submitter. Criteria: ACMG Guidelines, 2015. Collection method: clinical testing. Allele origin: unknown. Affected: yes. Observed: 1 variant allele.

Literature cited by the submitters: PubMed 22552817 (cited by Athena Diagnostics); PubMed 31407473 (cited by Athena Diagnostics).

NM_014946.4(SPAST):c.1553T>C (p.Leu518Pro)

Gene: SPAST (spastin; plus strand). Cytogenetic location: 2p22.3.
Variant type: single nucleotide variant.
Coding change: c.1553T>C on transcript NM_014946.4 (MANE Select); coding-DNA position 1553, T replaced by C.
Protein change: p.Leu518Pro; replaces leucine 518 with proline.
Molecular consequence: missense variant.
Genome position (GRCh38, 1-based): chr2:32,143,352, T>C. VCF-style: chr2-32143352-T-C. GRCh37 (hg19) VCF-style: chr2-32368421-T-C.
Other names: c.1553T>C (NM_014946.3); c.1550T>C, p.Leu517Pro (NM_001363823.2); c.1454T>C, p.Leu485Pro (NM_001363875.2); c.1457T>C, p.Leu486Pro (NM_001377959.1, NM_199436.2); short protein forms L517P, L485P, L486P, L518P.
Identifiers: ClinVar variation 807696 (VCV000807696.8), dbSNP rs1553319290, ClinGen allele CA346503657.